The following is an entry in ClinVar:

NM_005502.4(ABCA1):c.2338-3_2338-2del

Gene: ABCA1 (ATP binding cassette subfamily A member 1; minus strand). Cytogenetic location: 9q31.1.
Variant type: Microsatellite.
Coding change: c.2338-3_2338-2del on transcript NM_005502.4 (MANE Select); 3 bases into the intron before coding-DNA position 2338 through the canonical splice acceptor site of the intron before coding-DNA position 2338, 2 bases deleted (CA; older notation c.2338-3_2338-2delCA).
Molecular consequence: splice acceptor variant.
Genome position (GRCh38, 1-based): chr9:104,825,889-104,825,890, TG deleted on the plus strand (CA on the coding strand, the reverse complement: ABCA1 is on the minus strand); deleting any 2 consecutive bases within chr9:104,825,889-104,825,892 gives the same sequence; the c. name uses the placement nearest the transcript's 3' end. VCF-style (leftmost placement, unchanged base first): chr9-104825888-CTG-C. GRCh37 (hg19) VCF-style: chr9-107588169-CTG-C.
Other names: NC_000009.11:g.107588172_107588173del; c.2338-5_2338-4del (NM_005502.4).
Identifiers: ClinVar variation 1448498 (VCV001448498.6), dbSNP rs780742201, ClinGen allele CA5168746.

ClinVar aggregate classification (germline): Uncertain significance. Review status: criteria provided, multiple submitters, no conflicts (2 of 4 stars). 3 submissions from 3 submitters: Uncertain significance (3). Last evaluated 2024-10-25.

Submissions (4):

GeneDx
Classification: Uncertain significance. Last evaluated: 2024-10-25. Review status: criteria provided, single submitter. Criteria: GeneDx Variant Classification Process June 2021. Collection method: clinical testing. Allele origin: germline. Affected: yes.
Comment: In silico analysis suggests this variant may impact gene splicing. In the absence of RNA/functional studies, the actual effect of this sequence change is unknown.; This variant is associated with the following publications: (PMID: 32041611, 34662886, 30333156, 21875686)

Mayo Clinic Laboratories, Mayo Clinic
Classification: Uncertain significance. Last evaluated: 2024-02-21. Review status: criteria provided, single submitter. Criteria: ACMG Guidelines, 2015. Collection method: clinical testing. Allele origin: germline. Observed: 1 variant allele.

Labcorp Genetics (formerly Invitae), Labcorp
Classification: Uncertain significance. Last evaluated: 2021-12-14. Review status: criteria provided, single submitter. Criteria: Invitae Variant Classification Sherloc (09022015). Collection method: clinical testing. Allele origin: germline.
Comment: This sequence change falls in intron 16 of the ABCA1 gene. It does not directly change the encoded amino acid sequence of the ABCA1 protein. It affects a nucleotide within the consensus splice site. This variant is present in population databases (rs780742201, gnomAD 0.009%). This variant has been observed in individual(s) with clinical features of ABCA1-related conditions (PMID: 21875686, 30333156). Variants that disrupt the consensus splice site are a relatively common cause of aberrant splicing (PMID: 17576681, 9536098). In summary, the available evidence is currently insufficient to determine the role of this variant in disease. Therefore, it has been classified as a Variant of Uncertain Significance.

Dr. Peter K. Rogan Lab, Western University
No classification provided (evidence only). Condition: Melanoma. Review status: no classification provided. Collection method: in vitro. Allele origin: not applicable. Functional consequence: retained intron. Not counted in ClinVar's aggregate classification.

Literature cited by the submitters: PubMed 21875686 (cited by Mayo Clinic Laboratories, Mayo Clinic and Labcorp Genetics (formerly Invitae), Labcorp); PubMed 30333156 (cited by Mayo Clinic Laboratories, Mayo Clinic and Labcorp Genetics (formerly Invitae), Labcorp); PubMed 32041611 (cited by Mayo Clinic Laboratories, Mayo Clinic); PubMed 17576681 (cited by Labcorp Genetics (formerly Invitae), Labcorp); PubMed 9536098 (cited by Labcorp Genetics (formerly Invitae), Labcorp).